The following is an entry in ClinVar:

ClinVar aggregate classification (germline): Pathogenic. Review status: criteria provided, multiple submitters, no conflicts (2 of 4 stars). 2 submissions from 2 submitters: Pathogenic (2). Last evaluated 2025-01-27.

Conditions:
Methylmalonic acidemia (MMA). Also called: Isolated Methylmalonic Acidemia. Identifiers: MedGen C0268583, MeSH C537358, MONDO:0002012, HP:0002912.

Submissions (2):

Women's Health and Genetics/Laboratory Corporation of America, LabCorp
Classification: Pathogenic for Methylmalonic acidemia. Last evaluated: 2025-01-27. Review status: criteria provided, single submitter. Criteria: LabCorp Variant Classification Summary - May 2015. Collection method: clinical testing. Allele origin: germline.
Comment: Variant summary: MUT c.599T>C (p.Ile200Thr) results in a non-conservative amino acid change located in the methylmalonyl-CoA mutase N-terminal domain (IPR006098) of the encoded protein sequence. Five of five in-silico tools predict a damaging effect of the variant on protein function. The variant was absent in 251274 control chromosomes. c.599T>C has been reported in the literature in multiple homozygous and compound heterozygous individuals affected with Methylmalonic Acidemia (Han_2015, Kang_2020, Yu_2021) of in a heterozygous individual with Methylmalonic Acidemia without detection of a second allele change (Liu_2012). These data indicate that the variant is very likely to be associated with disease. To our knowledge, no experimental evidence demonstrating an impact on protein function has been reported. The following publications have been ascertained in the context of this evaluation (PMID: 35231114, 26454439, 31622506, 23430940, 34668645). ClinVar contains an entry for this variant (Variation ID: 2734894). Based on the evidence outlined above, the variant was classified as pathogenic.

Labcorp Genetics (formerly Invitae), Labcorp
Classification: Pathogenic. Last evaluated: 2023-06-08. Review status: criteria provided, single submitter. Criteria: Invitae Variant Classification Sherloc (09022015). Collection method: clinical testing. Allele origin: germline.
Comment: This sequence change replaces isoleucine, which is neutral and non-polar, with threonine, which is neutral and polar, at codon 200 of the MUT protein (p.Ile200Thr). For these reasons, this variant has been classified as Pathogenic. Advanced modeling of protein sequence and biophysical properties (such as structural, functional, and spatial information, amino acid conservation, physicochemical variation, residue mobility, and thermodynamic stability) performed at Invitae indicates that this missense variant is expected to disrupt MUT protein function. This missense change has been observed in individual(s) with methylmalonic aciduria (PMID: 23430940, 26454439, 31622506, 34668645, 35231114). This variant is not present in population databases (gnomAD no frequency).

Literature cited by the submitters: PubMed 23430940 (cited by Women's Health and Genetics/Laboratory Corporation of America, LabCorp and Labcorp Genetics (formerly Invitae), Labcorp); PubMed 31622506 (cited by Women's Health and Genetics/Laboratory Corporation of America, LabCorp and Labcorp Genetics (formerly Invitae), Labcorp); PubMed 34668645 (cited by Women's Health and Genetics/Laboratory Corporation of America, LabCorp and Labcorp Genetics (formerly Invitae), Labcorp); PubMed 35231114 (cited by Women's Health and Genetics/Laboratory Corporation of America, LabCorp and Labcorp Genetics (formerly Invitae), Labcorp); PubMed 26454439 (cited by Women's Health and Genetics/Laboratory Corporation of America, LabCorp and Labcorp Genetics (formerly Invitae), Labcorp).

NM_000255.4(MMUT):c.599T>C (p.Ile200Thr)

Gene: MMUT (methylmalonyl-CoA mutase; minus strand). Cytogenetic location: 6p12.3.
Variant type: single nucleotide variant.
Coding change: c.599T>C on transcript NM_000255.4 (MANE Select); coding-DNA position 599, T replaced by C.
Protein change: p.Ile200Thr; replaces isoleucine 200 with threonine.
Molecular consequence: missense variant.
Genome position (GRCh38, 1-based): chr6:49,457,845, A>G on the plus strand (T>C on the coding strand, the complement: MMUT is on the minus strand). VCF-style: chr6-49457845-A-G. GRCh37 (hg19) VCF-style: chr6-49425558-A-G.
Other names: short protein forms I200T.
Identifiers: ClinVar variation 2734894 (VCV002734894.5), dbSNP rs2481347095, ClinGen allele CA364404381.
Genomic context (GRCh38, chr6:49,457,845, plus strand): 5'-TCATTTTGGATGGTACCAGTAAGCTTCTCTTTAGGTACACCTTGTTCTTCTCCAGTTACT[A>G]TAAAATTTGCAAGAACTGGAATAACTGCTCCATTCATAGTCATGGAAACTGACATTTTTT-3'
Protein context (NP_000246.2, residues 190-210): GAVIPVLANF[Ile200Thr]VTGEEQGVPK